The following is an entry in ClinVar:

NM_004974.4(KCNA2):c.627del (p.Ile210fs)

Gene: KCNA2 (potassium voltage-gated channel subfamily A member 2; minus strand). Cytogenetic location: 1p13.3.
Variant type: Deletion.
Coding change: c.627del on transcript NM_004974.4 (MANE Select); coding-DNA position 627, one base deleted (C; older notation c.627delC).
Protein change: p.Ile210fs; shifts the reading frame from isoleucine 210.
Molecular consequence: frameshift variant.
Genome position (GRCh38, 1-based): chr1:110,604,156, G deleted on the plus strand (C on the coding strand, the reverse complement: KCNA2 is on the minus strand); the first of 2 consecutive G bases (chr1:110,604,156-110,604,157); deleting either gives the same sequence. VCF-style (leftmost placement, unchanged base first): chr1-110604155-TG-T. GRCh37 (hg19) VCF-style: chr1-111146777-TG-T.
Other names: c.627del, p.Ile210fs (NM_001204269.2); short protein forms I210fs.
Identifiers: ClinVar variation 1036206 (VCV001036206.7), dbSNP rs1649486083, ClinGen allele CA1188577529.

ClinVar aggregate classification (germline): Uncertain significance (1 of 4 stars; one submission).

Conditions:
Developmental and epileptic encephalopathy, 32 (DEE32). Also called: Epileptic encephalopathy, early infantile, 32. Identifiers: Orphanet 442835, MedGen C4225350, MONDO:0014607, OMIM 616366.

Submission:

Labcorp Genetics (formerly Invitae), Labcorp
Classification: Uncertain significance for Developmental and epileptic encephalopathy, 32. Last evaluated: 2020-07-15. Review status: criteria provided, single submitter. Criteria: Invitae Variant Classification Sherloc (09022015). Collection method: clinical testing. Allele origin: germline.
Comment: Experimental studies and prediction algorithms are not available or were not evaluated, and the functional significance of this variant is currently unknown. In summary, the available evidence is currently insufficient to determine the role of this variant in disease. Therefore, it has been classified as a Variant of Uncertain Significance. This variant has not been reported in the literature in individuals with KCNA2-related conditions. This variant is not present in population databases (ExAC no frequency). This sequence change results in a premature translational stop signal in the KCNA2 gene (p.Ile210Serfs*16). While this is not anticipated to result in nonsense mediated decay, it is expected to disrupt the last 290 amino acids of the KCNA2 protein.